The following is an entry in ClinVar:

NM_012213.3(MLYCD):c.799-16C>T

Genes: MLYCD (malonyl-CoA decarboxylase; plus strand), LOC126862422 (CDK7 strongly-dependent group 2 enhancer GRCh37_chr16:83945234-83946433; plus strand). Cytogenetic location: 16q23.3.
Variant type: single nucleotide variant.
Coding change: c.799-16C>T on transcript NM_012213.3 (MANE Select); 16 bases into the intron before coding-DNA position 799, C replaced by T.
Molecular consequence: intron variant.
Genome position (GRCh38, 1-based): chr16:83,912,202, C>T. VCF-style: chr16-83912202-C-T. GRCh37 (hg19) VCF-style: chr16-83945807-C-T.
Identifiers: ClinVar variation 381435 (VCV000381435.12), dbSNP rs150789545, ClinGen allele CA8197394.

ClinVar aggregate classification (germline): Benign/Likely benign. Review status: criteria provided, multiple submitters, no conflicts (2 of 4 stars). 5 submissions from 5 submitters: Benign (1); Likely benign (2). 2 of the submissions do not count toward it. Last evaluated 2026-01-28.

Conditions:
Deficiency of malonyl-CoA decarboxylase. Also called: Malonic aciduria; MCD deficiency. Identifiers: Orphanet 943, MedGen C0342793, MONDO:0009556, OMIM 248360.

Allele frequency attached by ClinVar (database versions not stated): 1000 Genomes Project 30x 0.00109; 1000 Genomes Project 0.00120; gnomAD exomes 0.00306 and 0.00466; TOPMed 0.00306; gnomAD 0.00395 and 0.00413; ESP Exome Variant Server 0.00423.
gnomAD v4.1: 7,350 of 1,614,162 alleles (0.46%); highest among the groups gnomAD compares: Non-Finnish European, 0.54%; 23 homozygotes.

Submissions (5):

Labcorp Genetics (formerly Invitae), Labcorp
Classification: Benign for Deficiency of malonyl-CoA decarboxylase. Last evaluated: 2026-01-28. Review status: criteria provided, single submitter. Criteria: Invitae Variant Classification Sherloc (09022015). Collection method: clinical testing. Allele origin: germline.

GeneDx
Classification: Likely benign. Last evaluated: 2018-03-01. Review status: criteria provided, single submitter. Criteria: GeneDx Variant Classification (06012015). Collection method: clinical testing. Allele origin: germline. Affected: yes.
Comment: This variant is considered likely benign or benign based on one or more of the following criteria: it is a conservative change, it occurs at a poorly conserved position in the protein, it is predicted to be benign by multiple in silico algorithms, and/or has population frequency not consistent with disease.

Center for Pediatric Genomic Medicine, Children's Mercy Hospital and Clinics
Classification: Likely benign. Last evaluated: 2017-06-02. Review status: criteria provided, single submitter. Criteria: ACMG Guidelines, 2015. Collection method: clinical testing. Allele origin: germline.

Clinical Genetics, Academic Medical Center
Classification: Benign. Review status: no assertion criteria provided. Collection method: clinical testing. Allele origin: germline. Affected: yes. Study: VKGL Data-share Consensus. Not counted in ClinVar's aggregate classification.

Diagnostic Laboratory, Department of Genetics, University Medical Center Groningen
Classification: Likely benign for Deficiency of malonyl-CoA decarboxylase. Review status: no assertion criteria provided. Collection method: clinical testing. Allele origin: germline. Affected: yes. Study: VKGL Data-share Consensus. Not counted in ClinVar's aggregate classification.